The following is an entry in ClinVar:

ClinVar aggregate classification (germline): Uncertain significance (1 of 4 stars; one submission).

gnomAD v4.1: 1 of 1,609,018 alleles (0.000062%); highest among the groups gnomAD compares: East Asian, 0.0022%; no homozygotes.

Submission:

Ambry Genetics
Classification: Uncertain significance. Last evaluated: 2022-05-07. Review status: criteria provided, single submitter. Criteria: Ambry Variant Classification Scheme 2023. Collection method: clinical testing. Allele origin: germline.
Comment: The p.Q166R variant (also known as c.497A>G), located in coding exon 6 of the BUB1 gene, results from an A to G substitution at nucleotide position 497. The glutamine at codon 166 is replaced by arginine, an amino acid with highly similar properties. This amino acid position is conserved. In addition, this alteration is predicted to be tolerated by in silico analysis. Since supporting evidence is limited at this time, the clinical significance of this alteration remains unclear.

NM_004336.5(BUB1):c.497A>G (p.Gln166Arg)

Gene: BUB1 (BUB1 mitotic checkpoint serine/threonine kinase; minus strand). Cytogenetic location: 2q13.
Variant type: single nucleotide variant.
Coding change: c.497A>G on transcript NM_004336.5 (MANE Select); coding-DNA position 497, A replaced by G.
Protein change: p.Gln166Arg; replaces glutamine 166 with arginine.
Molecular consequence: missense variant.
Genome position (GRCh38, 1-based): chr2:110,669,523, T>C on the plus strand (A>G on the coding strand, the complement: BUB1 is on the minus strand). VCF-style: chr2-110669523-T-C. GRCh37 (hg19) VCF-style: chr2-111427100-T-C.
Other names: c.437A>G, p.Gln146Arg (NM_001278616.2); c.497A>G, p.Gln166Arg (NM_001278617.2); short protein forms Q146R, Q166R.
Identifiers: ClinVar variation 1744512 (VCV001744512.2), dbSNP rs1690359641, ClinGen allele CA348219292.